The following is an entry in ClinVar:

NM_198407.2(GHSR):c.404_405del (p.Thr135fs)

Gene: GHSR (growth hormone secretagogue receptor; minus strand). Cytogenetic location: 3q26.31.
Variant type: Microsatellite.
Coding change: c.404_405del on transcript NM_198407.2 (MANE Select); coding-DNA positions 404 to 405, 2 bases deleted (CA; older notation c.404_405delCA).
Protein change: p.Thr135fs; shifts the reading frame from threonine 135.
Molecular consequence: frameshift variant.
Genome position (GRCh38, 1-based): chr3:172,448,009-172,448,010, TG deleted on the plus strand (CA on the coding strand, the reverse complement: GHSR is on the minus strand); deleting any 2 consecutive bases within chr3:172,448,009-172,448,012 gives the same sequence; the c. name uses the placement nearest the transcript's 3' end. VCF-style (leftmost placement, unchanged base first): chr3-172448008-CTG-C. GRCh37 (hg19) VCF-style: chr3-172165798-CTG-C.
Other names: c.404_405del, p.Thr135fs (NM_004122.2); short protein forms T135fs.
Identifiers: ClinVar variation 4886302 (VCV004886302.2).

ClinVar aggregate classification (germline): Uncertain significance (1 of 4 stars; one submission).

Submission:

Dasa
Classification: Uncertain significance. Last evaluated: 2025-08-07. Review status: criteria provided, single submitter. Criteria: DASA Assertion Criteria. Collection method: clinical testing. Allele origin: germline.
Comment: NM_198407.2(GHSR):c.404_405del (p.Thr135Serfs*156) is a frameshift variant in GHSR predicted to alter the reading frame and introduce a premature termination codon. This variant is absent from population databases. The currently available literature and clinical evidence are not sufficient to establish a definitive association between this variant and the reported condition. Therefore, this variant is classified as a variant of uncertain significance.